The following is an entry in ClinVar:

ClinVar aggregate classification (germline): Pathogenic (1 of 4 stars; one submission).

Submission:

Labcorp Genetics (formerly Invitae), Labcorp
Classification: Pathogenic. Last evaluated: 2023-05-26. Review status: criteria provided, single submitter. Criteria: Invitae Variant Classification Sherloc (09022015). Collection method: clinical testing. Allele origin: germline.
Comment: For these reasons, this variant has been classified as Pathogenic. This premature translational stop signal has been observed in individual(s) with Hermansky–Pudlak syndrome (PMID: 31621111). The frequency data for this variant in the population databases is considered unreliable, as metrics indicate poor data quality at this position in the gnomAD database. This sequence change creates a premature translational stop signal (p.Arg30Alafs*2) in the HPS3 gene. It is expected to result in an absent or disrupted protein product. Loss-of-function variants in HPS3 are known to be pathogenic (PMID: 11590544).

Literature cited by the submitters: PubMed 31621111; PubMed 11590544.

NM_032383.5(HPS3):c.87dup (p.Arg30fs)

Gene: HPS3 (HPS3 biogenesis of lysosomal organelles complex 2 subunit 1; plus strand). Cytogenetic location: 3q24.
Variant type: Duplication.
Coding change: c.87dup on transcript NM_032383.5 (MANE Select); coding-DNA position 87, one base duplicated (G; older notation c.87dupG).
Protein change: p.Arg30fs; shifts the reading frame from arginine 30.
Molecular consequence: frameshift variant.
Genome position (GRCh38, 1-based): chr3:149,129,810, G duplicated; the last of 6 consecutive G bases (chr3:149,129,805-149,129,810); duplicating any one gives the same sequence. VCF-style (leftmost placement, unchanged base first): chr3-149129804-C-CG. GRCh37 (hg19) VCF-style: chr3-148847591-C-CG.
Other names: c.87dup, p.Arg30fs (NM_001308258.2); short protein forms R30fs.
Identifiers: ClinVar variation 2971447 (VCV002971447.3), dbSNP rs769037441, ClinGen allele CA2659708.